The following is an entry in ClinVar:

ClinVar aggregate classification (germline): Uncertain significance (1 of 4 stars; one submission).

Conditions:
Distal myopathy with posterior leg and anterior hand involvement. Also called: WILLIAMS DISTAL MYOPATHY. Identifiers: Orphanet 63273, MedGen C3279722, MONDO:0013550, OMIM 614065.
Myofibrillar myopathy 5. Also called: Filaminopathy (type); FILAMINOPATHY, AUTOSOMAL DOMINANT. Identifiers: Orphanet 171445, MedGen C1836050, MONDO:0012289, OMIM 609524.
Hypertrophic cardiomyopathy 26. Also called: Cardiomyopathy, familial hypertrophic, 26. Identifiers: Orphanet 75249, MedGen C4310749, MONDO:0014883, OMIM 617047.

gnomAD v4.1: 2 of 1,613,888 alleles (0.00012%); highest among the groups gnomAD compares: Non-Finnish European, 0.00017%; no homozygotes.

Submission:

Labcorp Genetics (formerly Invitae), Labcorp
Classification: Uncertain significance for Distal myopathy with posterior leg and anterior hand involvement; Myofibrillar myopathy 5; Hypertrophic cardiomyopathy 26. Last evaluated: 2017-11-12. Review status: criteria provided, single submitter. Criteria: Invitae Variant Classification Sherloc (09022015). Collection method: clinical testing. Allele origin: germline.
Comment: In summary, the available evidence is currently insufficient to determine the role of this variant in disease. Therefore, it has been classified as a Variant of Uncertain Significance. This variant is not present in population databases (ExAC no frequency). This sequence change replaces threonine with lysine at codon 512 of the FLNC protein (p.Thr512Lys). The threonine residue is moderately conserved and there is a moderate physicochemical difference between threonine and lysine. This variant has not been reported in the literature in individuals with FLNC-related disease. Algorithms developed to predict the effect of missense changes on protein structure and function do not agree on the potential impact of this missense change (SIFT: "Deleterious"; PolyPhen-2: "Benign"; Align-GVGD: "Class C0").

NM_001458.5(FLNC):c.1535C>A (p.Thr512Lys)

Gene: FLNC (filamin C; plus strand). Cytogenetic location: 7q32.1.
Variant type: single nucleotide variant.
Coding change: c.1535C>A on transcript NM_001458.5 (MANE Select); coding-DNA position 1535, C replaced by A.
Protein change: p.Thr512Lys; replaces threonine 512 with lysine.
Molecular consequence: missense variant.
Genome position (GRCh38, 1-based): chr7:128,840,146, C>A. VCF-style: chr7-128840146-C-A. GRCh37 (hg19) VCF-style: chr7-128480200-C-A.
Other names: c.1535C>A, p.Thr512Lys (NM_001127487.2); short protein forms T512K.
Identifiers: ClinVar variation 539363 (VCV000539363.9), dbSNP rs775538827, ClinGen allele CA369225867.
Genomic context (GRCh38, chr7:128,840,146, plus strand): 5'-AAGAGGTGGCTGACTTCAAGGTGTTTACCAAGGGTGCCGGCAGCGGGGAGCTCAAGGTCA[C>A]GGTCAAGGGGCCAAGTGAGTGCCAGAGCCCAGGGTCGTGAGGGTGGGGCTGGGGGATCAT-3'
Protein context (NP_001449.3, residues 502-522): KGAGSGELKV[Thr512Lys]VKGPKGTEEP